The following is an entry in ClinVar:

ClinVar aggregate classification (germline): Benign/Likely benign. Review status: criteria provided, multiple submitters, no conflicts (2 of 4 stars). 8 submissions from 8 submitters: Benign (1); Likely benign (6). 1 of the submissions does not count toward it. Last evaluated 2026-01-13.

Conditions:
Congenital myasthenic syndrome 8. Also called: Myasthenic syndrome, congenital, 8, with pre- and postsynaptic defects; MYASTHENIC SYNDROME, CONGENITAL, DUE TO AGRIN DEFICIENCY. Identifiers: Orphanet 590, MedGen C3808739, MONDO:0014052, OMIM 615120.
AGRN-related disorder. Also called: AGRN-related condition.
Inborn genetic diseases. Identifiers: MedGen C0950123, MeSH D030342.

Allele frequency attached by ClinVar (database versions not stated): gnomAD exomes 0.00031; ESP Exome Variant Server 0.00072; ExAC 0.00096; 1000 Genomes Project 30x 0.00141; gnomAD 0.00141 and 0.00151; TOPMed 0.00163; 1000 Genomes Project 0.00180.
gnomAD v4.1: 451 of 1,548,352 alleles (0.029%); highest among the groups gnomAD compares: African/African-American, 0.53%; 4 homozygotes.

Submissions (8):

Labcorp Genetics (formerly Invitae), Labcorp
Classification: Benign for Congenital myasthenic syndrome 8. Last evaluated: 2026-01-13. Review status: criteria provided, single submitter. Criteria: Invitae Variant Classification Sherloc (09022015). Collection method: clinical testing. Allele origin: germline.

Mayo Clinic Laboratories, Mayo Clinic
Classification: Likely benign. Last evaluated: 2025-05-27. Review status: criteria provided, single submitter. Criteria: ACMG Guidelines, 2015. Collection method: clinical testing. Allele origin: germline. Observed: 1 variant allele.
Comment: BS1, BP4_moderate

Blueprint Genetics
Classification: Likely benign. Last evaluated: 2024-10-24. Review status: criteria provided, single submitter. Criteria: ACMG Guidelines, 2015. Collection method: clinical testing. Allele origin: germline.

CeGaT Center for Human Genetics Tuebingen
Classification: Likely benign. Last evaluated: 2023-07-01. Review status: criteria provided, single submitter. Criteria: CeGaT Center For Human Genetics Tuebingen Variant Classification Criteria Version 2. Collection method: clinical testing. Allele origin: germline. Affected: yes. Observed: 2 variant alleles.
Comment: AGRN: BP4, BS2

Ambry Genetics
Classification: Likely benign for Inborn genetic diseases. Last evaluated: 2021-09-01. Review status: criteria provided, single submitter. Criteria: Ambry Variant Classification Scheme 2023. Collection method: clinical testing. Allele origin: germline.

Eurofins Ntd Llc (ga)
Classification: Likely benign. Last evaluated: 2017-04-17. Review status: criteria provided, single submitter. Criteria: EGL Classification Definitions 2015. Collection method: clinical testing. Allele origin: germline. Observed: 1 variant allele, 1 heterozygote.

Breakthrough Genomics
Classification: Likely benign. Review status: criteria provided, single submitter. Criteria: ACMG Guidelines, 2015. Collection method: not provided. Allele origin: germline. Inheritance: Autosomal recessive inheritance. Affected: yes.

PreventionGenetics, part of Exact Sciences
Classification: Likely benign for AGRN-related condition. Last evaluated: 2019-06-11. Review status: no assertion criteria provided. Collection method: clinical testing. Allele origin: germline. Not counted in ClinVar's aggregate classification.
Comment: This variant is classified as likely benign based on ACMG/AMP sequence variant interpretation guidelines (Richards et al. 2015 PMID: 25741868, with internal and published modifications).

NM_198576.4(AGRN):c.6074A>G (p.His2025Arg)

Gene: AGRN (agrin; plus strand). Cytogenetic location: 1p36.33.
Variant type: single nucleotide variant.
Coding change: c.6074A>G on transcript NM_198576.4 (MANE Select); coding-DNA position 6074, A replaced by G.
Protein change: p.His2025Arg; replaces histidine 2025 with arginine.
Molecular consequence: missense variant.
Genome position (GRCh38, 1-based): chr1:1,054,917, A>G. VCF-style: chr1-1054917-A-G. GRCh37 (hg19) VCF-style: chr1-990297-A-G.
Other names: p.His2025Arg; c.6143A>G, p.His2048Arg (NM_001305275.2); c.5771A>G, p.His1924Arg (NM_001364727.2); short protein forms H2025R, H2048R, H1924R.
Identifiers: ClinVar variation 501491 (VCV000501491.46), dbSNP rs377296839, ClinGen allele CA510327.
Genomic context (GRCh38, chr1:1,054,917, plus strand): 5'-TGCCCAAGGCCTACGGCACAGGCTTTGTGGGCTGCTTGCGGGACGTGGTGGTGGGCCGGC[A>G]CCCGCTGCACCTGCTGGAGGACGCCGTCACCAAGCCAGAGCTGCGGCCCTGCCCCACCCC-3'
Protein context (NP_940978.2, residues 2015-2035): GCLRDVVVGR[His2025Arg]PLHLLEDAVT